The following is an entry in ClinVar:

ClinVar aggregate classification (germline): Uncertain significance (1 of 4 stars; one submission).

Allele frequency attached by ClinVar (database versions not stated): gnomAD exomes below 0.00001.

Submission:

CeGaT Center for Human Genetics Tuebingen
Classification: Uncertain significance. Last evaluated: 2022-11-01. Review status: criteria provided, single submitter. Criteria: CeGaT Center For Human Genetics Tuebingen Variant Classification Criteria Version 2. Collection method: clinical testing. Allele origin: germline. Affected: yes. Observed: 1 variant allele.
Comment: MARS2: PM2

NM_138395.4(MARS2):c.1020C>A (p.His340Gln)

Gene: MARS2 (methionyl-tRNA synthetase 2, mitochondrial; plus strand). Cytogenetic location: 2q33.1.
Variant type: single nucleotide variant.
Coding change: c.1020C>A on transcript NM_138395.4 (MANE Select); coding-DNA position 1020, C replaced by A.
Protein change: p.His340Gln; replaces histidine 340 with glutamine.
Molecular consequence: missense variant.
Genome position (GRCh38, 1-based): chr2:197,706,425, C>A. VCF-style: chr2-197706425-C-A. GRCh37 (hg19) VCF-style: chr2-198571149-C-A.
Other names: short protein forms H340Q.
Identifiers: ClinVar variation 1879514 (VCV001879514.29), dbSNP rs2089475961, ClinGen allele CA350213600.